The following is an entry in ClinVar:

ClinVar aggregate classification (germline): Conflicting classifications of pathogenicity. Review status: criteria provided, conflicting classifications (1 of 4 stars). 9 submissions from 9 submitters: Uncertain significance (5); Likely benign (2). 2 of the submissions do not count toward it. Last evaluated 2026-01-15.

Conditions:
Gastric cancer. Also called: Stomach cancer; Malignant tumor of stomach. Identifiers: MedGen C0024623, MeSH D013274, MONDO:0001056, OMIM 613659, HP:0012126.
Familial adenomatous polyposis 2. Also called: COLORECTAL ADENOMATOUS POLYPOSIS, AUTOSOMAL RECESSIVE; ADENOMAS, MULTIPLE COLORECTAL, AUTOSOMAL RECESSIVE; FAP type 2; MUTYH-associated polyposis; MYH-associated polyposis; MUTYH-related attenuated familial adenomatous polyposis. Identifiers: Orphanet 220460, Orphanet 247798, MedGen C3272841, MONDO:0012041, OMIM 608456.
Hereditary cancer-predisposing syndrome. Also called: Hereditary Cancer Syndrome; Tumor predisposition; Neoplastic Syndromes, Hereditary; Hereditary neoplastic syndrome. Identifiers: Orphanet 140162, MedGen C0027672, MeSH D009386, MONDO:0015356.

Allele frequency attached by ClinVar (database versions not stated): gnomAD 0.00001; TOPMed 0.00001; gnomAD exomes below 0.00001.
gnomAD v4.1: 9 of 1,614,014 alleles (0.00056%); highest among the groups gnomAD compares: Non-Finnish European, 0.00076%; no homozygotes.

Submissions (9):

Labcorp Genetics (formerly Invitae), Labcorp
Classification: Uncertain significance for Familial adenomatous polyposis 2. Last evaluated: 2026-01-15. Review status: criteria provided, single submitter. Criteria: Invitae Variant Classification Sherloc (09022015). Collection method: clinical testing. Allele origin: germline.
Comment: This sequence change replaces tyrosine, which is neutral and polar, with cysteine, which is neutral and slightly polar, at codon 84 of the MUTYH protein (p.Tyr84Cys). This variant is present in population databases (rs200747973, gnomAD 0.002%). This missense change has been observed in individual(s) with MUTYH-related conditions (PMID: 38687439). This variant is also known as c.209A>G, p.Tyr70Cys. ClinVar contains an entry for this variant (Variation ID: 41758). An algorithm developed to predict the effect of missense changes on protein structure and function (PolyPhen-2) suggests that this variant is likely to be disruptive. In summary, the available evidence is currently insufficient to determine the role of this variant in disease. Therefore, it has been classified as a Variant of Uncertain Significance.

Ambry Genetics
Classification: Likely benign for Hereditary cancer-predisposing syndrome. Last evaluated: 2025-09-09. Review status: criteria provided, single submitter. Criteria: Ambry Variant Classification Scheme 2023. Collection method: clinical testing. Allele origin: germline.

Color Diagnostics, LLC DBA Color Health
Classification: Likely benign for Hereditary cancer-predisposing syndrome. Last evaluated: 2025-07-29. Review status: criteria provided, single submitter. Criteria: ACMG Guidelines, 2015. Collection method: clinical testing. Allele origin: germline.

Department of Pathology and Laboratory Medicine, Sinai Health System
Classification: Uncertain significance for Familial adenomatous polyposis 2; Gastric cancer. Last evaluated: 2024-09-11. Review status: criteria provided, single submitter. Criteria: ACMG Guidelines, 2015. Collection method: clinical testing. Allele origin: germline.

All of Us Research Program, National Institutes of Health
Classification: Uncertain significance for Familial adenomatous polyposis 2. Last evaluated: 2023-06-26. Review status: criteria provided, single submitter. Criteria: ACMG Guidelines, 2015. Collection method: clinical testing. Allele origin: germline. Inheritance: Autosomal recessive inheritance. Observed: 1 variant allele, 1 heterozygote.
Comment: This missense variant replaces tyrosine with cysteine at codon 84 of the MUTYH protein. Computational prediction suggests that this variant may not impact protein structure and function (internally defined REVEL score threshold <= 0.5, PMID: 27666373). To our knowledge, functional studies have not been performed for this variant. This variant has not been reported in individuals affected with hereditary cancer in the literature. This variant has been identified in 2/282870 chromosomes in the general population by the Genome Aggregation Database (gnomAD). The available evidence is insufficient to determine the role of this variant in disease conclusively. Therefore, this variant is classified as a Variant of Uncertain Significance.

This study involves interpretation of variants in research participants for the purpose of population health screening. Participant phenotype was not available at the time of variant classification. Additional details can be found in publication PMID: 35346344, PMCID: PMC8962531

Mendelics
Classification: Uncertain significance for MYH-associated polyposis. Last evaluated: 2018-07-02. Review status: criteria provided, single submitter. Criteria: Mendelics Assertion Criteria 2017. Collection method: clinical testing. Allele origin: unknown.

Illumina Laboratory Services, Illumina
Classification: Uncertain significance for Familial adenomatous polyposis 2. Last evaluated: 2018-01-12. Review status: criteria provided, single submitter. Criteria: ICSL Variant Classification Criteria 13 December 2019. Collection method: clinical testing. Allele origin: germline.

Counsyl
Classification: Uncertain significance for Familial adenomatous polyposis 2. Last evaluated: 2017-10-13. Review status: no assertion criteria provided. Collection method: clinical testing. Allele origin: unknown. Not counted in ClinVar's aggregate classification.

Biesecker Lab/Clinical Genomics Section, National Institutes of Health
Classification: Uncertain significance. Last evaluated: 2012-07-13. Review status: no assertion criteria provided. Collection method: research. Allele origin: germline. Affected: no. Observed: 1 variant allele. Study: ClinSeq. Not counted in ClinVar's aggregate classification.
ClinVar note: Converted during submission from variant of unknown significance to Uncertain significance.

Literature cited by the submitters: PubMed 38687439 (cited by Labcorp Genetics (formerly Invitae), Labcorp).

NM_001048174.2(MUTYH):c.167A>G (p.Tyr56Cys)

Gene: MUTYH (mutY DNA glycosylase; minus strand). Cytogenetic location: 1p34.1.
Variant type: single nucleotide variant.
Coding change: c.167A>G on transcript NM_001048174.2 (MANE Select); coding-DNA position 167, A replaced by G.
Protein change: p.Tyr56Cys; replaces tyrosine 56 with cysteine.
Molecular consequence: missense variant. On other transcripts: 5 prime UTR variant (1), non-coding transcript variant (2), intron variant (3).
Genome position (GRCh38, 1-based): chr1:45,333,510, T>C on the plus strand (A>G on the coding strand, the complement: MUTYH is on the minus strand). VCF-style: chr1-45333510-T-C. GRCh37 (hg19) VCF-style: chr1-45799182-T-C.
Other names: c.167A>G, p.Tyr56Cys (NM_001048171.2, NM_001048173.2, NM_001293195.2); c.170A>G, p.Tyr57Cys (NM_001048172.2); c.251A>G, p.Tyr84Cys (NM_001128425.2); c.212A>G, p.Tyr71Cys (NM_001293190.2); c.200A>G, p.Tyr67Cys (NM_001293191.2); c.-105A>G (NM_001350650.2); c.242A>G, p.Tyr81Cys (NM_012222.3); c.-92-13A>G (NM_001350651.2); and 1 more; short protein forms Y84C, Y70C, Y71C, Y57C, Y56C, Y67C, Y81C.
Identifiers: ClinVar variation 41758 (VCV000041758.32), dbSNP rs200747973, ClinGen allele CA011742.